The following is an entry in ClinVar:

NM_000388.4(CASR):c.814A>C (p.Ser272Arg)

Gene: CASR (calcium sensing receptor; plus strand). Cytogenetic location: 3q21.1.
Variant type: single nucleotide variant.
Coding change: c.814A>C on transcript NM_000388.4 (MANE Select); coding-DNA position 814, A replaced by C.
Protein change: p.Ser272Arg; replaces serine 272 with arginine.
Molecular consequence: missense variant.
Genome position (GRCh38, 1-based): chr3:122,261,849, A>C. VCF-style: chr3-122261849-A-C. GRCh37 (hg19) VCF-style: chr3-121980696-A-C.
Other names: c.814A>C, p.Ser272Arg (NM_001178065.2); short protein forms S272R.
Identifiers: ClinVar variation 3753435 (VCV003753435.2).

ClinVar aggregate classification (germline): Uncertain significance (1 of 4 stars; one submission).

Conditions:
Autosomal dominant hypocalcemia 1 (HYPOC1). Also called: HYPOCALCEMIA, FAMILIAL. Identifiers: MedGen C3715128, MONDO:0011013, OMIM 601198.
Familial hypocalciuric hypercalcemia (FHH). Also called: Familial benign hypercalcemia. Identifiers: Orphanet 405, MedGen C1809471, MONDO:0018458.

Submission:

Labcorp Genetics (formerly Invitae), Labcorp
Classification: Uncertain significance for Familial hypocalciuric hypercalcemia; Autosomal dominant hypocalcemia 1. Last evaluated: 2024-12-13. Review status: criteria provided, single submitter. Criteria: Invitae Variant Classification Sherloc (09022015). Collection method: clinical testing. Allele origin: germline.
Comment: This sequence change replaces serine, which is neutral and polar, with arginine, which is basic and polar, at codon 272 of the CASR protein (p.Ser272Arg). This variant is not present in population databases (gnomAD no frequency). This missense change has been observed in individual(s) with clinical features of autosomal dominant hypocalciuric hypercalcemia (internal data). An algorithm developed to predict the effect of missense changes on protein structure and function (PolyPhen-2) suggests that this variant is likely to be disruptive. In summary, the available evidence is currently insufficient to determine the role of this variant in disease. Therefore, it has been classified as a Variant of Uncertain Significance.